The following is an entry in ClinVar:

ClinVar aggregate classification (germline): Likely benign. Review status: criteria provided, multiple submitters, no conflicts (2 of 4 stars). 3 submissions from 3 submitters: Likely benign (3). Last evaluated 2026-03-01.

Submissions (3):

CeGaT Center for Human Genetics Tuebingen
Classification: Likely benign. Last evaluated: 2026-03-01. Review status: criteria provided, single submitter. Criteria: CeGaT Center For Human Genetics Tuebingen Variant Classification Criteria Version 2. Collection method: clinical testing. Allele origin: germline. Affected: yes. Observed: 2 variant alleles.
Comment: SBF1: BP4, BP7

Labcorp Genetics (formerly Invitae), Labcorp
Classification: Likely benign. Last evaluated: 2025-01-07. Review status: criteria provided, single submitter. Criteria: Invitae Variant Classification Sherloc (09022015). Collection method: clinical testing. Allele origin: germline.

Mayo Clinic Laboratories, Mayo Clinic
Classification: Likely benign. Last evaluated: 2024-12-31. Review status: criteria provided, single submitter. Criteria: ACMG Guidelines, 2015. Collection method: clinical testing. Allele origin: germline. Observed: 1 variant allele.
Comment: BP4, BP7

NM_002972.4(SBF1):c.2019C>T (p.His673=)

Gene: SBF1 (SET binding factor 1; minus strand). Cytogenetic location: 22q13.33.
Variant type: single nucleotide variant.
Coding change: c.2019C>T on transcript NM_002972.4 (MANE Select); coding-DNA position 2019, C replaced by T.
Protein change: p.His673=; no amino-acid change (histidine 673 retained).
Molecular consequence: synonymous variant.
Genome position (GRCh38, 1-based): chr22:50,462,667, G>A on the plus strand (C>T on the coding strand, the complement: SBF1 is on the minus strand). VCF-style: chr22-50462667-G-A. GRCh37 (hg19) VCF-style: chr22-50901096-G-A.
Other names: p.His673=; c.2022C>T, p.His674= (NM_001365819.1, NM_001410794.1); c.2019C>T, p.His673= (NM_001410795.1).
Identifiers: ClinVar variation 3628953 (VCV003628953.9).
Genomic context (GRCh38, chr22:50,462,667, plus strand): 5'-GTGAGTCTGCACATCCCCATAGAACATGGCCTCCCAGAACTGTGGCGTGCTCCACACCAC[G>A]TGCTCCTGCACACAGCTGTATGCAAACTGCGTCACCCCCGGGCTCAGCTTCTGCAGGAGC-3'
Protein context (NP_002963.2, residues 663-683): TQFAYSCVQE[His673=]VVWSTPQFWE